The following is an entry in ClinVar:

ClinVar aggregate classification (germline): Likely pathogenic (1 of 4 stars; one submission).

Conditions:
Bethlem myopathy 1A. Also called: Bethlem Muscular Dystrophy; Bethlem myopathy 1; MYOPATHY, BENIGN CONGENITAL, WITH CONTRACTURES. Identifiers: Orphanet 610, MedGen CN029274, MONDO:0024530, OMIM 158810.

Submission:

Labcorp Genetics (formerly Invitae), Labcorp
Classification: Likely pathogenic for Bethlem myopathy 1A. Last evaluated: 2019-11-12. Review status: criteria provided, single submitter. Criteria: Invitae Variant Classification Sherloc (09022015). Collection method: clinical testing. Allele origin: germline.
Comment: This variant has not been reported in the literature in individuals with COL6A1-related conditions. In summary, the currently available evidence indicates that the variant is pathogenic, but additional data are needed to prove that conclusively. Therefore, this variant has been classified as Likely Pathogenic. Donor and acceptor splice site variants typically lead to a loss of protein function (PMID: 16199547), and loss-of-function variants in COL6A1 are known to be pathogenic (PMID: 21280092, 20976770). In addition, donor and acceptor splice site variants in COL6A1 that result in in-frame exon skipping have also been reported to cause autosomal dominant COL6A1-related conditions (PMID: 18366090). Algorithms developed to predict the effect of sequence changes on RNA splicing suggest that this variant may disrupt the consensus splice site, but this prediction has not been confirmed by published transcriptional studies. This variant is not present in population databases (ExAC no frequency). This variant results in the deletion of part of exon 9 (c.842_858+7del) of the COL6A1 gene. It is expected to disrupt RNA splicing and likely results in an absent or disrupted protein product.

Literature cited by the submitters: PubMed 16199547; PubMed 21280092; PubMed 20976770; PubMed 18366090.

NM_001848.3(COL6A1):c.842_858+7del

Gene: COL6A1 (collagen type VI alpha 1 chain; plus strand). Cytogenetic location: 21q22.3.
Variant type: Deletion.
Coding change: c.842_858+7del on transcript NM_001848.3 (MANE Select); coding-DNA position 842 through 7 bases into the intron after coding-DNA position 858, 24 bases deleted (GAGAAGCCGGAGATCCTGTGAGTG).
Molecular consequence: splice donor variant.
Genome position (GRCh38, 1-based): chr21:45,989,121-45,989,144, GAGAAGCCGGAGATCCTGTGAGTG deleted; deleting any 24 consecutive bases within chr21:45,989,120-45,989,144 gives the same sequence; the c. name uses the placement nearest the transcript's 3' end. VCF-style (leftmost placement, unchanged base first): chr21-45989119-GGGAGAAGCCGGAGATCCTGTGAGT-G. GRCh37 (hg19) VCF-style: chr21-47409033-GGGAGAAGCCGGAGATCCTGTGAGT-G.
Identifiers: ClinVar variation 967366 (VCV000967366.8), dbSNP rs2077759485, ClinGen allele CA1139666908.